The following is an entry in ClinVar:

NM_001111125.3(IQSEC2):c.2945C>A (p.Pro982Gln)

Gene: IQSEC2 (IQ motif and Sec7 domain ArfGEF 2; minus strand). Cytogenetic location: Xp11.22.
Variant type: single nucleotide variant.
Coding change: c.2945C>A on transcript NM_001111125.3 (MANE Select); coding-DNA position 2945, C replaced by A.
Protein change: p.Pro982Gln; replaces proline 982 with glutamine.
Molecular consequence: missense variant.
Genome position (GRCh38, 1-based): chrX:53,241,854, G>T on the plus strand (C>A on the coding strand, the complement: IQSEC2 is on the minus strand). VCF-style: chrX-53241854-G-T. GRCh37 (hg19) VCF-style: chrX-53271036-G-T.
Other names: c.2945C>A, p.Pro982Gln (NM_001410736.1); c.2330C>A, p.Pro777Gln (NM_015075.2); short protein forms P982Q, P777Q.
Identifiers: ClinVar variation 3634898 (VCV003634898.2).

ClinVar aggregate classification (germline): Uncertain significance (1 of 4 stars; one submission).

Conditions:
Intellectual developmental disorder, X-linked 1. Also called: Atkin Flaitz Patil Smith syndrome; MENTAL RETARDATION, X-LINKED 18; MENTAL RETARDATION, X-LINKED 78; Intellectual disability, X-linked 1. Identifiers: Orphanet 777, MedGen C2931498, MONDO:0010656, OMIM 309530.

Submission:

Labcorp Genetics (formerly Invitae), Labcorp
Classification: Uncertain significance for Intellectual developmental disorder, X-linked 1. Last evaluated: 2025-07-14. Review status: criteria provided, single submitter. Criteria: Invitae Variant Classification Sherloc (09022015). Collection method: clinical testing. Allele origin: germline.
Comment: This sequence change replaces proline, which is neutral and non-polar, with glutamine, which is neutral and polar, at codon 982 of the IQSEC2 protein (p.Pro982Gln). This variant is not present in population databases (gnomAD no frequency). This variant has not been reported in the literature in individuals affected with IQSEC2-related conditions. ClinVar contains an entry for this variant (Variation ID: 3634898). Invitae Evidence Modeling of protein sequence and biophysical properties (such as structural, functional, and spatial information, amino acid conservation, physicochemical variation, residue mobility, and thermodynamic stability) has been performed for this missense variant. However, the output from this modeling did not meet the statistical confidence thresholds required to predict the impact of this variant on IQSEC2 protein function. In summary, the available evidence is currently insufficient to determine the role of this variant in disease. Therefore, it has been classified as a Variant of Uncertain Significance.